The following is an entry in ClinVar:

ClinVar aggregate classification (germline): Pathogenic (1 of 4 stars; one submission).

Conditions:
Hereditary spastic paraplegia 4. Also called: Spastic paraplegia 4, autosomal dominant; Spastic Paraplegia 4; Familial spastic paraplegia autosomal dominant 2. Identifiers: Orphanet 100985, MedGen C1866855, MONDO:0008438, OMIM 182601.

Submission:

Labcorp Genetics (formerly Invitae), Labcorp
Classification: Pathogenic for Hereditary spastic paraplegia 4. Last evaluated: 2021-05-01. Review status: criteria provided, single submitter. Criteria: Invitae Variant Classification Sherloc (09022015). Collection method: clinical testing. Allele origin: germline.
Comment: This sequence change creates a premature translational stop signal (p.Leu71Argfs*90) in the SPAST gene. It is expected to result in an absent or disrupted protein product. Loss-of-function variants in SPAST are known to be pathogenic (PMID: 20932283). For these reasons, this variant has been classified as Pathogenic. This variant has not been reported in the literature in individuals with SPAST-related conditions. This variant is not present in population databases (ExAC no frequency).

Literature cited by the submitters: PubMed 20932283.

NM_014946.4(SPAST):c.212del (p.Leu71fs)

Gene: SPAST (spastin; plus strand). Cytogenetic location: 2p22.3.
Variant type: Deletion.
Coding change: c.212del on transcript NM_014946.4 (MANE Select); coding-DNA position 212, one base deleted (T; older notation c.212delT).
Protein change: p.Leu71fs; shifts the reading frame from leucine 71.
Molecular consequence: frameshift variant.
Genome position (GRCh38, 1-based): chr2:32,064,043, T deleted. VCF-style (leftmost placement, unchanged base first): chr2-32064042-CT-C. GRCh37 (hg19) VCF-style: chr2-32289111-CT-C.
Other names: c.212del, p.Leu71fs (NM_001363823.2, NM_001363875.2, NM_001377959.1 and 1 more transcripts); short protein forms L71fs.
Identifiers: ClinVar variation 1360426 (VCV001360426.6), dbSNP rs2148685545, ClinGen allele CA2573134598.